The following is an entry in ClinVar:

ClinVar aggregate classification (germline): Benign (1 of 4 stars; one submission).

Conditions:
Occult macular dystrophy (OCMD). Also called: OMD; OCCULT MACULAR DYSTROPHY, SUSCEPTIBILITY TO. Identifiers: Orphanet 247834, MedGen C3150833, MONDO:0013316, OMIM 613587, HP:0030636.

Allele frequency attached by ClinVar (database versions not stated): gnomAD exomes 0.00001 and 0.00006; ExAC 0.00007; gnomAD 0.00019 and 0.00021; 1000 Genomes Project 0.00020; TOPMed 0.00027; 1000 Genomes Project 30x 0.00031; ESP Exome Variant Server 0.00050.
gnomAD v4.1: 49 of 1,613,044 alleles (0.003%); highest among the groups gnomAD compares: African/African-American, 0.055%; 1 homozygote.

Submission:

Illumina Laboratory Services, Illumina
Classification: Benign for Occult macular dystrophy. Last evaluated: 2018-01-13. Review status: criteria provided, single submitter. Criteria: ICSL Variant Classification Criteria 13 December 2019. Collection method: clinical testing. Allele origin: germline.
Comment: This variant was observed in the ICSL laboratory as part of a predisposition screen in an ostensibly healthy population. It had not been previously curated by ICSL or reported in the Human Gene Mutation Database (HGMD: prior to June 1st, 2018), and was therefore a candidate for classification through an automated scoring system. Utilizing variant allele frequency, disease prevalence and penetrance estimates, and inheritance mode, an automated score was calculated to assess if this variant is too frequent to cause the disease. Based on the score and internal cut-off values, a variant classified as benign is not then subjected to further curation. The score for this variant resulted in a classification of benign for this disease.

NM_178857.6(RP1L1):c.*38C>G

Gene: RP1L1 (RP1 like 1). Cytogenetic location: 8p23.1.
Variant type: single nucleotide variant.
Coding change: c.*38C>G on transcript NM_178857.6 (MANE Select); 38 bases downstream of the stop codon, C replaced by G.
Molecular consequence: 3 prime UTR variant.
Genome position (GRCh38, 1-based): chr8:10,606,857, G>C on the plus strand (C>G on the coding strand, the complement: RP1L1 is on the minus strand). VCF-style: chr8-10606857-G-C. GRCh37 (hg19) VCF-style: chr8-10464367-G-C.
Identifiers: ClinVar variation 361201 (VCV000361201.5), dbSNP rs374533327, ClinGen allele CA4623034.